The following is an entry in ClinVar:

NM_000448.3(RAG1):c.1303A>G (p.Met435Val)

Gene: RAG1 (recombination activating 1; plus strand). Cytogenetic location: 11p12.
Variant type: single nucleotide variant.
Coding change: c.1303A>G on transcript NM_000448.3 (MANE Select); coding-DNA position 1303, A replaced by G.
Protein change: p.Met435Val; replaces methionine 435 with valine.
Molecular consequence: missense variant.
Genome position (GRCh38, 1-based): chr11:36,574,607, A>G. VCF-style: chr11-36574607-A-G. GRCh37 (hg19) VCF-style: chr11-36596157-A-G.
Other names: c.1303A>G, p.Met435Val (NM_001377277.1, NM_001377278.1, NM_001377279.1 and 1 more transcripts); short protein forms M435V.
Identifiers: ClinVar variation 68680 (VCV000068680.20), dbSNP rs141524540, ClinGen allele CA219797.
Genomic context (GRCh38, chr11:36,574,607, plus strand): 5'-AAGCTGCAAGTCAAAGCCTTTGCTGACAAAGAAGAAGGTGGAGATGTGAAGTCCGTGTGC[A>G]TGACCTTGTTCCTGCTGGCTCTGAGGGCGAGGAATGAGCACAGGCAAGCTGATGAGCTGG-3'
Protein context (NP_000439.2, residues 425-445): EEGGDVKSVC[Met435Val]TLFLLALRAR

ClinVar aggregate classification (germline): Pathogenic/Likely pathogenic. Review status: criteria provided, multiple submitters, no conflicts (2 of 4 stars). 8 submissions from 8 submitters: Pathogenic (6); Likely pathogenic (1). 1 of the submissions does not count toward it. Last evaluated 2026-01-24.

Conditions:
RAG1-related disorder. Also called: RAG1-related condition; RAG1-related disorders.
Combined immunodeficiency with skin granulomas. Identifiers: Orphanet 157949, MedGen C2673536, MONDO:0009306, OMIM 233650.
Severe combined immunodeficiency, autosomal recessive, T cell-negative, B cell-negative, NK cell-positive. Also called: SCID, AR, T-cell negative, B-cell negative, NK cell-positive; SCID, T CELL-NEGATIVE, B CELL-NEGATIVE, NK CELL-POSITIVE; Severe combined immunodeficiency due to complete RAG1/2 deficiency. Identifiers: Orphanet 331206, MedGen C1832322, MONDO:0011086, OMIM 601457.
Histiocytic medullary reticulosis. Also called: SEVERE COMBINED IMMUNODEFICIENCY WITH HYPEREOSINOPHILIA; Omenn syndrome. Identifiers: Orphanet 39041, MedGen C2700553, MONDO:0011338, OMIM 603554.
Combined immunodeficiency due to partial RAG1 deficiency. Identifiers: Orphanet 231154, MedGen C1835931, MONDO:0012359, OMIM 609889.
Severe combined immunodeficiency disease. Also called: Severe Combined Immune Deficiency; Severe combined immunodeficiency. Identifiers: Orphanet 183660, MedGen C0085110, MeSH D016511, MONDO:0015974, HP:0004430. Inheritance: X-Linked or Autosomal recessive.

Allele frequency attached by ClinVar (database versions not stated): ExAC 0.00002; gnomAD 0.00003; gnomAD exomes 0.00003 and 0.00006; TOPMed 0.00003; ESP Exome Variant Server 0.00015.
gnomAD v4.1: 100 of 1,614,126 alleles (0.0062%); highest among the groups gnomAD compares: Non-Finnish European, 0.007%; no homozygotes.

Submissions (8):

Labcorp Genetics (formerly Invitae), Labcorp
Classification: Pathogenic for Combined immunodeficiency with skin granulomas; Severe combined immunodeficiency, autosomal recessive, T cell-negative, B cell-negative, NK cell-positive. Last evaluated: 2026-01-24. Review status: criteria provided, single submitter. Criteria: Invitae Variant Classification Sherloc (09022015). Collection method: clinical testing. Allele origin: germline.
Comment: This sequence change replaces methionine, which is neutral and non-polar, with valine, which is neutral and non-polar, at codon 435 of the RAG1 protein (p.Met435Val). This variant is present in population databases (rs141524540, gnomAD 0.006%). This missense change has been observed in individual(s) with Omenn syndrome (PMID: 11133745, 17890453, 24290284, 28769923). In at least one individual the data is consistent with being in trans (on the opposite chromosome) from a pathogenic variant. ClinVar contains an entry for this variant (Variation ID: 68680). Invitae Evidence Modeling of protein sequence and biophysical properties (such as structural, functional, and spatial information, amino acid conservation, physicochemical variation, residue mobility, and thermodynamic stability) indicates that this missense variant is not expected to disrupt RAG1 protein function with a negative predictive value of 80%. Experimental studies have shown that this missense change affects RAG1 function (PMID: 24290284). For these reasons, this variant has been classified as Pathogenic.

GeneDx
Classification: Pathogenic. Last evaluated: 2025-08-19. Review status: criteria provided, single submitter. Criteria: GeneDx Variant Classification Process June 2021. Collection method: clinical testing. Allele origin: germline. Affected: yes.
Comment: Published functional studies demonstrate that M435V only has 23.6% of WT VDJ recombination activity (PMID: 24290284); In silico analysis suggests that this missense variant does not alter protein structure/function; This variant is associated with the following publications: (PMID: 25976673, 17890453, 20956421, 24290284, 19178939, 22039266, 11133745, 31058115, 31388879, 32311393, 30877075, 33193364, 35753512, KutluA2025[Computational], 39720732, 28769923, 17572155, 26457731, 37854700, 26996199, 11971977, 27825771)

Women's Health and Genetics/Laboratory Corporation of America, LabCorp
Classification: Pathogenic for Severe combined immunodeficiency disease. Last evaluated: 2025-06-02. Review status: criteria provided, single submitter. Criteria: LabCorp Variant Classification Summary - May 2015. Collection method: clinical testing. Allele origin: germline.
Comment: Variant summary: RAG1 c.1303A>G (p.Met435Val) results in a conservative amino acid change located in the RAG nonamer-binding domain (IPR023336) of the encoded protein sequence. Algorithms developed to predict the effect of missense changes on protein structure and function all suggest that this variant is likely to be tolerated. The variant allele was found at a frequency of 2.8e-05 in 250804 control chromosomes. c.1303A>G has been observed in multiple individuals affected with Severe Combined Immunodeficiency Syndrome/Omenn Syndrome (example: Villa_2001, Haq_2007, Matangkasombut_2008, Sheehan_2009, Dobbs_ 2017). These data indicate that the variant is associated with disease. At least one publication reports experimental evidence evaluating an impact on protein function. The most pronounced variant effect results in 10%-<30% of normal VDJ recombination activity (example: Lee_2014). The following publications have been ascertained in the context of this evaluation (PMID: 28769923, 17572155, 24290284, 17890453, 11213808, 19178939, 11133745). ClinVar contains an entry for this variant (Variation ID: 68680). Based on the evidence outlined above, the variant was classified as pathogenic.

PreventionGenetics, part of Exact Sciences
Classification: Pathogenic for RAG1-related condition. Last evaluated: 2025-01-21. Review status: criteria provided, single submitter. Criteria: ACMG Guidelines, 2015. Collection method: clinical testing. Allele origin: germline.
Comment: The RAG1 c.1303A>G variant is predicted to result in the amino acid substitution p.Met435Val. This variant has been reported in the compound heterozygous and homozygous state in individuals with autoimmune and immunodeficiency disorders, including Omenn syndrome (Villa et al. 2001. PubMed ID: 11133745; Lee et al. 2013. PubMed ID: 24290284; Dobbs et al. 2017. PubMed ID: 28769923; Rigoni et al. 2020. PubMed ID: 32311393). In vitro experimental studies showed that this variant has 23.6% of wild type VDJ recombination (Lee et al. 2013. PubMed ID: 24290284). This variant is reported in 0.0053% of alleles in individuals of European (Non-Finnish) descent in gnomAD. This variant is interpreted as pathogenic.

Baylor Genetics
Classification: Pathogenic for Combined immunodeficiency due to partial RAG1 deficiency. Last evaluated: 2024-02-22. Review status: criteria provided, single submitter. Criteria: ACMG Guidelines, 2015. Collection method: clinical testing. Allele origin: unknown.

Blueprint Genetics
Classification: Pathogenic for RAG1-related disorders. Last evaluated: 2023-12-21. Review status: criteria provided, single submitter. Criteria: ACMG Guidelines, 2015. Collection method: clinical testing. Allele origin: germline. Affected: yes. Observed: 1 variant allele.

Fulgent Genetics
Classification: Likely pathogenic for Combined immunodeficiency with skin granulomas; Severe combined immunodeficiency, autosomal recessive, T cell-negative, B cell-negative, NK cell-positive; Histiocytic medullary reticulosis; Combined immunodeficiency due to partial RAG1 deficiency. Last evaluated: 2018-10-31. Review status: criteria provided, single submitter. Criteria: ACMG Guidelines, 2015. Collection method: clinical testing. Allele origin: unknown.

UniProtKB/Swiss-Prot
No classification provided. Review status: no classification provided. Collection method: not provided. Allele origin: not provided. Not counted in ClinVar's aggregate classification.

Literature cited by the submitters: PubMed 11133745 (cited by Labcorp Genetics (formerly Invitae), Labcorp and Women's Health and Genetics/Laboratory Corporation of America, LabCorp); PubMed 17890453 (cited by Labcorp Genetics (formerly Invitae), Labcorp and Women's Health and Genetics/Laboratory Corporation of America, LabCorp); PubMed 24290284 (cited by Labcorp Genetics (formerly Invitae), Labcorp and Women's Health and Genetics/Laboratory Corporation of America, LabCorp); PubMed 28769923 (cited by Labcorp Genetics (formerly Invitae), Labcorp and Women's Health and Genetics/Laboratory Corporation of America, LabCorp); PubMed 17572155 (cited by Women's Health and Genetics/Laboratory Corporation of America, LabCorp); PubMed 11213808 (cited by Women's Health and Genetics/Laboratory Corporation of America, LabCorp); PubMed 19178939 (cited by Women's Health and Genetics/Laboratory Corporation of America, LabCorp).